The following is an entry in ClinVar:

ClinVar aggregate classification (germline): Uncertain significance (1 of 4 stars; one submission).

Conditions:
Polycystic kidney disease, adult type (PKD1). Also called: Polycystic Kidney, Autosomal Dominant; POLYCYSTIC KIDNEY DISEASE, ADULT, TYPE I; Polycystic Kidney Disease 1, Autosomal Dominant; Polycystic kidney disease 1; Polycystic kidney disease 1, severe; POLYCYSTIC KIDNEY DISEASE 1 WITH OR WITHOUT POLYCYSTIC LIVER DISEASE. Identifiers: MedGen C3149841, MONDO:0008263, OMIM 173900.

Submission:

3billion
Classification: Uncertain significance for Polycystic kidney disease, adult type. Last evaluated: 2025-12-25. Review status: criteria provided, single submitter. Criteria: ACMG Guidelines, 2015. Collection method: clinical testing. Allele origin: germline. Affected: yes.
Comment: The variant is not observed in the gnomAD v4.1.0 dataset. Predicted Consequence/Location: Intron variant In silico tools predict the variant to alter splicing and produce an abnormal transcript [SpliceAI: 0.28 (>=0.2, moderate evidence for spliceogenicity)]. Therefore, this variant is classified as VUS according to the recommendation of ACMG/AMP guideline.

NM_001009944.3(PKD1):c.9397+4A>C

Gene: PKD1 (polycystin 1, transient receptor potential channel interacting; minus strand). Cytogenetic location: 16p13.3.
Variant type: single nucleotide variant.
Coding change: c.9397+4A>C on transcript NM_001009944.3 (MANE Select); 4 bases into the intron after coding-DNA position 9397, A replaced by C.
Molecular consequence: intron variant.
Genome position (GRCh38, 1-based): chr16:2,102,057, T>G on the plus strand (A>C on the coding strand, the complement: PKD1 is on the minus strand). VCF-style: chr16-2102057-T-G. GRCh37 (hg19) VCF-style: chr16-2152058-T-G.
Other names: c.9397+4A>C (NM_000296.4).
Identifiers: ClinVar variation 4855681 (VCV004855681.1).
Genomic context (GRCh38, chr16:2,102,057, plus strand): 5'-GAGGGTGCAACCAGCACAGCCAGTGAGAGCAGGGGAGGCCCTGCCACCCCGCTGCGCCCC[T>G]CACCTGAGCCCCGGCCCCAGCCTGTCTTGACGAGGATCTCGTACTTGAAGCGGCCCCGCT-3'